The following is an entry in ClinVar:

NM_003072.5(SMARCA4):c.3730C>T (p.Arg1244Cys)

Gene: SMARCA4 (SWI/SNF related BAF chromatin remodeling complex subunit ATPase 4; plus strand). Cytogenetic location: 19p13.2.
Variant type: single nucleotide variant.
Coding change: c.3730C>T on transcript NM_003072.5 (MANE Select); coding-DNA position 3730, C replaced by T.
Protein change: p.Arg1244Cys; replaces arginine 1244 with cysteine.
Molecular consequence: missense variant. On other transcripts: non-coding transcript variant (1).
Genome position (GRCh38, 1-based): chr19:11,033,473, C>T. VCF-style: chr19-11033473-C-T. GRCh37 (hg19) VCF-style: chr19-11144149-C-T.
Other names: c.3730C>T (NM_001128849.1); c.3730C>T, p.Arg1244Cys (NM_001128844.3, NM_001128845.2, NM_001128846.2 and 5 more transcripts); short protein forms R1244C.
Identifiers: ClinVar variation 1294428 (VCV001294428.11), dbSNP rs2146654092, ClinGen allele CA404066011.

ClinVar aggregate classification (germline): Conflicting classifications of pathogenicity. Review status: criteria provided, conflicting classifications (1 of 4 stars). 3 submissions from 3 submitters: Likely pathogenic (1); Uncertain significance (2). Last evaluated 2024-04-15.

Conditions:
Hereditary cancer-predisposing syndrome. Also called: Tumor predisposition; Hereditary neoplastic syndrome; Neoplastic Syndromes, Hereditary; Hereditary Cancer Syndrome. Identifiers: Orphanet 140162, MedGen C0027672, MeSH D009386, MONDO:0015356.
Intellectual disability, autosomal dominant 16 (CSS4). Also called: COFFIN-SIRIS SYNDROME 4. Identifiers: Orphanet 1465, MedGen C3553249, MONDO:0013821, OMIM 614609.
Rhabdoid tumor predisposition syndrome 2 (RTPS2). Identifiers: Orphanet 231108, Orphanet 69077, MedGen C2750074, MONDO:0013224, OMIM 613325.

Allele frequency attached by ClinVar (database versions not stated): gnomAD exomes below 0.00001.

Submissions (3):

Labcorp Genetics (formerly Invitae), Labcorp
Classification: Uncertain significance for Rhabdoid tumor predisposition syndrome 2. Last evaluated: 2024-04-15. Review status: criteria provided, single submitter. Criteria: Invitae Variant Classification Sherloc (09022015). Collection method: clinical testing. Allele origin: germline.
Comment: This sequence change replaces arginine, which is basic and polar, with cysteine, which is neutral and slightly polar, at codon 1244 of the SMARCA4 protein (p.Arg1244Cys). This variant is not present in population databases (gnomAD no frequency). This missense change has been observed in individual(s) with clinical features of Coffin-Siris syndrome (PMID: 34813034). ClinVar contains an entry for this variant (Variation ID: 1294428). Advanced modeling of protein sequence and biophysical properties (such as structural, functional, and spatial information, amino acid conservation, physicochemical variation, residue mobility, and thermodynamic stability) has been performed at Invitae for this missense variant, however the output from this modeling did not meet the statistical confidence thresholds required to predict the impact of this variant on SMARCA4 protein function. In summary, the available evidence is currently insufficient to determine the role of this variant in disease. Therefore, it has been classified as a Variant of Uncertain Significance.

Ambry Genetics
Classification: Uncertain significance for Hereditary cancer-predisposing syndrome. Last evaluated: 2021-04-21. Review status: criteria provided, single submitter. Criteria: Ambry Variant Classification Scheme 2023. Collection method: clinical testing. Allele origin: germline.
Comment: The p.R1244C variant (also known as c.3730C>T), located in coding exon 25 of the SMARCA4 gene, results from a C to T substitution at nucleotide position 3730. The arginine at codon 1244 is replaced by cysteine, an amino acid with highly dissimilar properties. This amino acid position is well conserved in available vertebrate species. In addition, the in silico prediction for this alteration is inconclusive. Missense and in-frame variants in SMARCA4 are known to cause neurodevelopmental disorders; however, such associations with rhabdoid tumor predisposition syndrome including small cell carcinoma of the ovary-hypercalcemic type (SCCOHT) are exceedingly rare (Kosho T et al. Am J Med Genet C Semin Med Genet. 2014 Sep;166C(3):262-75; Jelinic P et al. Nat Genet. 2014 May;46(5):424-6). Since supporting evidence is limited at this time, the clinical significance of this alteration remains unclear.

Center for Molecular Medicine, Children’s Hospital of Fudan University
Classification: Likely pathogenic for Intellectual disability, autosomal dominant 16. Last evaluated: 2021-04-20. Review status: criteria provided, single submitter. Criteria: ACMG Guidelines, 2015. Collection method: clinical testing. Allele origin: unknown. Affected: yes. Observed: 1 variant allele.

Literature cited by the submitters: PubMed 34813034 (cited by Labcorp Genetics (formerly Invitae), Labcorp).